The following is an entry in ClinVar:

ClinVar aggregate classification (germline): Uncertain significance (1 of 4 stars; one submission).

Conditions:
Chédiak-Higashi syndrome (CHS). Also called: Chediak-Higashi Syndrome. Identifiers: Orphanet 167, MedGen C0007965, MONDO:0008963, OMIM 214500.

Allele frequency attached by ClinVar (database versions not stated): gnomAD exomes below 0.00001.
gnomAD v4.1: 3 of 1,614,034 alleles (0.00019%); highest among the groups gnomAD compares: African/African-American, 0.0013%; no homozygotes.

Submission:

Labcorp Genetics (formerly Invitae), Labcorp
Classification: Uncertain significance for Chédiak-Higashi syndrome. Last evaluated: 2020-12-06. Review status: criteria provided, single submitter. Criteria: Invitae Variant Classification Sherloc (09022015). Collection method: clinical testing. Allele origin: germline.
Comment: In summary, the available evidence is currently insufficient to determine the role of this variant in disease. Therefore, it has been classified as a Variant of Uncertain Significance. Algorithms developed to predict the effect of missense changes on protein structure and function (SIFT, PolyPhen-2, Align-GVGD) all suggest that this variant is likely to be tolerated, but these predictions have not been confirmed by published functional studies and their clinical significance is uncertain. This variant has not been reported in the literature in individuals with LYST-related conditions. This variant is not present in population databases (ExAC no frequency). This sequence change replaces glutamine with arginine at codon 2641 of the LYST protein (p.Gln2641Arg). The glutamine residue is highly conserved and there is a small physicochemical difference between glutamine and arginine.

NM_000081.4(LYST):c.7922A>G (p.Gln2641Arg)

Gene: LYST (lysosomal trafficking regulator; minus strand). Cytogenetic location: 1q42.3.
Variant type: single nucleotide variant.
Coding change: c.7922A>G on transcript NM_000081.4 (MANE Select); coding-DNA position 7922, A replaced by G.
Protein change: p.Gln2641Arg; replaces glutamine 2641 with arginine.
Molecular consequence: missense variant.
Genome position (GRCh38, 1-based): chr1:235,746,386, T>C on the plus strand (A>G on the coding strand, the complement: LYST is on the minus strand). VCF-style: chr1-235746386-T-C. GRCh37 (hg19) VCF-style: chr1-235909686-T-C.
Other names: c.7922A>G, p.Gln2641Arg (NM_001301365.1); short protein forms Q2641R.
Identifiers: ClinVar variation 1357253 (VCV001357253.5), dbSNP rs2527666784, ClinGen allele CA344926875.